The following is an entry in ClinVar:

ClinVar aggregate classification (germline): Uncertain significance (1 of 4 stars; one submission).

Conditions:
Amyotrophic lateral sclerosis type 1 (ALS1). Also called: AMYOTROPHIC LATERAL SCLEROSIS 1, FAMILIAL. Identifiers: Orphanet 803, MedGen C1862939, MONDO:0007103, OMIM 105400.
Perry syndrome. Also called: PARKINSONISM WITH ALVEOLAR HYPOVENTILATION AND MENTAL DEPRESSION. Identifiers: Orphanet 178509, MedGen C1868594, MONDO:0008201, OMIM 168605.
Neuronopathy, distal hereditary motor, type 7B. Also called: NEURONOPATHY, DISTAL HEREDITARY MOTOR, AUTOSOMAL DOMINANT 14; NEURONOPATHY, DISTAL HEREDITARY MOTOR, HARDING TYPE VIIB; NEUROPATHY, DISTAL HEREDITARY MOTOR, HARDING TYPE VIIB; NEUROPATHY, DISTAL HEREDITARY MOTOR, WITH VOCAL CORD PARALYSIS, HARDING TYPE VIIB; Distal Hereditary Motor Neuronopathy Type 7B (dHMN7B); HMN VIIB. Identifiers: Orphanet 139589, MedGen C1843315, MONDO:0011879, OMIM 607641.

Allele frequency attached by ClinVar (database versions not stated): TOPMed below 0.00001; gnomAD exomes 0.00001.
gnomAD v4.1: 3 of 1,614,044 alleles (0.00019%); highest among the groups gnomAD compares: Non-Finnish European, 0.00025%; no homozygotes.

Submission:

Labcorp Genetics (formerly Invitae), Labcorp
Classification: Uncertain significance for Amyotrophic lateral sclerosis type 1; Neuronopathy, distal hereditary motor, type 7B; Perry syndrome. Last evaluated: 2022-03-26. Review status: criteria provided, single submitter. Criteria: Invitae Variant Classification Sherloc (09022015). Collection method: clinical testing. Allele origin: germline.
Comment: This sequence change affects codon 1115 of the DCTN1 mRNA. It is a 'silent' change, meaning that it does not change the encoded amino acid sequence of the DCTN1 protein. This variant also falls at the last nucleotide of exon 28, which is part of the consensus splice site for this exon. This variant is present in population databases (no rsID available, gnomAD 0.003%). This variant has not been reported in the literature in individuals affected with DCTN1-related conditions. Variants that disrupt the consensus splice site are a relatively common cause of aberrant splicing (PMID: 17576681, 9536098). Algorithms developed to predict the effect of sequence changes on RNA splicing suggest that this variant is not likely to affect RNA splicing. In summary, the available evidence is currently insufficient to determine the role of this variant in disease. Therefore, it has been classified as a Variant of Uncertain Significance.

Literature cited by the submitters: PubMed 17576681; PubMed 9536098.

NM_004082.5(DCTN1):c.3345G>A (p.Lys1115=)

Gene: DCTN1 (dynactin subunit 1; minus strand). Cytogenetic location: 2p13.1.
Variant type: single nucleotide variant.
Coding change: c.3345G>A on transcript NM_004082.5 (MANE Select); coding-DNA position 3345, G replaced by A.
Protein change: p.Lys1115=; no amino-acid change (lysine 1115 retained).
Molecular consequence: synonymous variant. On other transcripts: non-coding transcript variant (1).
Genome position (GRCh38, 1-based): chr2:74,363,294, C>T on the plus strand (G>A on the coding strand, the complement: DCTN1 is on the minus strand). VCF-style: chr2-74363294-C-T. GRCh37 (hg19) VCF-style: chr2-74590421-C-T.
Other names: c.3270G>A, p.Lys1090= (NM_001135040.3); c.2928G>A, p.Lys976= (NM_001135041.3); c.3219G>A, p.Lys1073= (NM_001190836.2); c.3324G>A, p.Lys1108= (NM_001190837.2); c.3294G>A, p.Lys1098= (NM_001378991.1); c.3276G>A, p.Lys1092= (NM_001378992.1); c.2943G>A, p.Lys981= (NM_023019.4).
Identifiers: ClinVar variation 2175080 (VCV002175080.4), dbSNP rs1442069603, ClinGen allele CA426813244.